The following is an entry in ClinVar:

ClinVar aggregate classification (germline): Benign. Review status: criteria provided, single submitter (1 of 4 stars). 2 submissions from 2 submitters: Benign (1). 1 of the submissions does not count toward it. Last evaluated 2024-09-27.

Conditions:
KMT2D-related disorder. Also called: KMT2D-Related Disorders.
Kabuki syndrome. Also called: NIIKAWA-KUROKI SYNDROME; Kabuki make-up syndrome. Identifiers: Orphanet 2322, MedGen C0796004, MONDO:0016512.

gnomAD v4.1: 1 of 1,612,932 alleles (0.000062%); highest among the groups gnomAD compares: Admixed American, 0.0017%; no homozygotes.

Submissions (2):

Labcorp Genetics (formerly Invitae), Labcorp
Classification: Benign for Kabuki syndrome. Last evaluated: 2024-09-27. Review status: criteria provided, single submitter. Criteria: Invitae Variant Classification Sherloc (09022015). Collection method: clinical testing. Allele origin: germline.

PreventionGenetics, part of Exact Sciences
Classification: Uncertain significance for KMT2D-related condition. Last evaluated: 2024-09-26. Review status: no assertion criteria provided. Collection method: clinical testing. Allele origin: germline. Not counted in ClinVar's aggregate classification.
Comment: The KMT2D c.3337G>T variant is predicted to result in the amino acid substitution p.Asp1113Tyr. To our knowledge, this variant has not been reported in the literature. This variant is reported in 0.0029% of alleles in individuals of Latino descent in gnomAD. At this time, the clinical significance of this variant is uncertain due to the absence of conclusive functional and genetic evidence.

NM_003482.4(KMT2D):c.3337G>T (p.Asp1113Tyr)

Gene: KMT2D (lysine methyltransferase 2D; minus strand). Cytogenetic location: 12q13.12.
Variant type: single nucleotide variant.
Coding change: c.3337G>T on transcript NM_003482.4 (MANE Select); coding-DNA position 3337, G replaced by T.
Protein change: p.Asp1113Tyr; replaces aspartic acid 1113 with tyrosine.
Molecular consequence: missense variant.
Genome position (GRCh38, 1-based): chr12:49,050,251, C>A on the plus strand (G>T on the coding strand, the complement: KMT2D is on the minus strand). VCF-style: chr12-49050251-C-A. GRCh37 (hg19) VCF-style: chr12-49444034-C-A.
Other names: short protein forms D1113Y.
Identifiers: ClinVar variation 3347047 (VCV003347047.3).